The following is an entry in ClinVar:

ClinVar aggregate classification (germline): not provided. Review status: no classification provided (0 of 4 stars). 4 submissions from 1 submitter: not provided (4).

Conditions:
Preeclampsia. Identifiers: Orphanet 275555, MedGen C0032914, MONDO:0005081, HP:0100602.
Small for gestational age. Also called: Low birth weight. Identifiers: MedGen C0235991, HP:0001518.
Normal pregnancy. Identifiers: MedGen C0232989.
Gestational diabetes mellitus uncontrolled. Identifiers: MedGen C3532257.

Submissions (4):

Institute of Molecular and Cell Biology, University of Tartu
No classification provided. Condition: Normal pregnancy. Review status: no classification provided. Collection method: case-control. Allele origin: unknown. Affected: yes. Study: Kasak2014.
Comment: The study aimed to determine the contribution of copy number variants in the genetic etiology of normal and complicated pregnancies. The samples represented (i) maternal blood DNA drawn from healthy pregnant women during 1st or 2nd trimester and (ii) maternal and paternal blood DNA drawn at term pregnancy cases representing normal and complicated gestations (severe preeclampsia, PE; gestational diabetes, GD; small-for-gestational age newborn, SGA; large-for-gestational age newborn, LGA). We performed CNV calling based on genome-wide genotyping dataset (Illumina HumanOmniExpress-24-v1 BeadChip) by applying three algorithms, QuantiSNP, GADA (Genome Alteration Detection Algorithm) and CNstream in parallel. The acquired CNV calls were merged with HD-CNV (Hotspot Detector for Copy Number Variants) program and only the CNVs predicted by at least two programs, were considered in subsequent analysis.

Institute of Molecular and Cell Biology, University of Tartu
No classification provided. Condition: Small for gestational age. Review status: no classification provided. Collection method: case-control. Allele origin: unknown. Affected: yes. Study: Kasak2014.
Comment: the same text as in the submission from Institute of Molecular and Cell Biology, University of Tartu above.

Institute of Molecular and Cell Biology, University of Tartu
No classification provided. Condition: Preeclampsia. Review status: no classification provided. Collection method: case-control. Allele origin: unknown. Affected: yes. Study: Kasak2014.
Comment: the same text as in the submission from Institute of Molecular and Cell Biology, University of Tartu above.

Institute of Molecular and Cell Biology, University of Tartu
No classification provided. Condition: Gestational diabetes mellitus uncontrolled. Review status: no classification provided. Collection method: case-control. Allele origin: unknown. Affected: yes. Study: Kasak2014.
Comment: the same text as in the submission from Institute of Molecular and Cell Biology, University of Tartu above.

Literature cited by the submitters: PubMed 25666259.

Single allele

Variant type: Deletion.
Identifiers: ClinVar variation 157277 (VCV000157277.2).